The following is an entry in ClinVar:

ClinVar aggregate classification (germline): Uncertain significance (1 of 4 stars; one submission).

Conditions:
Imerslund-Grasbeck syndrome. Also called: ENTEROCYTE COBALAMIN MALABSORPTION; ENTEROCYTE INTRINSIC FACTOR RECEPTOR, DEFECT OF; Megaloblastic anemia due to inborn errors of metabolism; PERNICIOUS ANEMIA, JUVENILE, DUE TO SELECTIVE INTESTINAL MALABSORPTION OF VITAMIN B12, WITH PROTEINURIA; Imerslund-Gräsbeck syndrome. Identifiers: Orphanet 35858, MedGen C4551825, MONDO:0009853.

Allele frequency attached by ClinVar (database versions not stated): gnomAD exomes below 0.00001; gnomAD 0.00001; TOPMed 0.00001.
gnomAD v4.1: 3 of 1,540,760 alleles (0.00019%); highest among the groups gnomAD compares: African/African-American, 0.0041%; no homozygotes.

Submission:

Labcorp Genetics (formerly Invitae), Labcorp
Classification: Uncertain significance for Imerslund-Grasbeck syndrome. Last evaluated: 2023-09-07. Review status: criteria provided, single submitter. Criteria: Invitae Variant Classification Sherloc (09022015). Collection method: clinical testing. Allele origin: germline.
Comment: In summary, the available evidence is currently insufficient to determine the role of this variant in disease. Therefore, it has been classified as a Variant of Uncertain Significance. Advanced modeling of protein sequence and biophysical properties (such as structural, functional, and spatial information, amino acid conservation, physicochemical variation, residue mobility, and thermodynamic stability) performed at Invitae indicates that this missense variant is expected to disrupt AMN protein function. This sequence change replaces alanine, which is neutral and non-polar, with glycine, which is neutral and non-polar, at codon 333 of the AMN protein (p.Ala333Gly). ClinVar contains an entry for this variant (Variation ID: 2109361). This variant has not been reported in the literature in individuals affected with AMN-related conditions. This variant is not present in population databases (gnomAD no frequency).

NM_030943.4(AMN):c.998C>G (p.Ala333Gly)

Genes: AMN (amnion associated transmembrane protein; plus strand), LOC130056554 (ATAC-STARR-seq lymphoblastoid silent region 6136; plus strand). Cytogenetic location: 14q32.32.
Variant type: single nucleotide variant.
Coding change: c.998C>G on transcript NM_030943.4 (MANE Select); coding-DNA position 998, C replaced by G.
Protein change: p.Ala333Gly; replaces alanine 333 with glycine.
Molecular consequence: missense variant.
Genome position (GRCh38, 1-based): chr14:102,930,078, C>G. VCF-style: chr14-102930078-C-G. GRCh37 (hg19) VCF-style: chr14-103396415-C-G.
Other names: short protein forms A333G.
Identifiers: ClinVar variation 2109361 (VCV002109361.4), dbSNP rs1158062266, ClinGen allele CA391083210.